The following is an entry in ClinVar:

NM_138296.3(PTCRA):c.534G>A (p.Pro178=)

Gene: PTCRA (pre T cell antigen receptor alpha; plus strand). Cytogenetic location: 6p21.1.
Variant type: single nucleotide variant.
Coding change: c.534G>A on transcript NM_138296.3 (MANE Select); coding-DNA position 534, G replaced by A.
Protein change: p.Pro178=; no amino-acid change (proline 178 retained).
Molecular consequence: synonymous variant.
Genome position (GRCh38, 1-based): chr6:42,925,370, G>A. VCF-style: chr6-42925370-G-A. GRCh37 (hg19) VCF-style: chr6-42893108-G-A.
Other names: c.579G>A, p.Pro193= (NM_001243168.2); c.459G>A, p.Pro153= (NM_001243169.2); c.213G>A, p.Pro71= (NM_001243170.2).
Identifiers: ClinVar variation 5039341 (VCV005039341.1).

ClinVar aggregate classification (germline): Likely benign (1 of 4 stars; one submission).

gnomAD v4.1: 7 of 1,556,056 alleles (0.00045%); highest among the groups gnomAD compares: African/African-American, 0.0027%; no homozygotes.

Submission:

CeGaT Center for Human Genetics Tuebingen
Classification: Likely benign. Last evaluated: 2026-07-01. Review status: criteria provided, single submitter. Criteria: CeGaT Center For Human Genetics Tuebingen Variant Classification Criteria Version 2. Collection method: clinical testing. Allele origin: germline. Affected: yes. Observed: 1 variant allele.
Comment: PTCRA: BP4, BP7